The following is an entry in ClinVar:

NM_000492.4(CFTR):c.3883del (p.Ile1295fs)

Gene: CFTR (CF transmembrane conductance regulator; plus strand). Cytogenetic location: 7q31.2.
Variant type: Deletion.
Coding change: c.3883del on transcript NM_000492.4 (MANE Select); coding-DNA position 3883, one base deleted (A; older notation c.3883delA).
Protein change: p.Ile1295fs; shifts the reading frame from isoleucine 1295.
Molecular consequence: frameshift variant.
Genome position (GRCh38, 1-based): chr7:117,652,851, A deleted. VCF-style (leftmost placement, unchanged base first): chr7-117652850-TA-T. GRCh37 (hg19) VCF-style: chr7-117292904-TA-T.
Other names: 4015delA; c.3883delA (NM_000492.3); c.3883del (NM_000492.3); short protein forms I1295fs.
Identifiers: ClinVar variation 53839 (VCV000053839.11), dbSNP rs397508630, ClinGen allele CA327327.

ClinVar aggregate classification (germline): Pathogenic. Review status: reviewed by expert panel (3 of 4 stars). 5 submissions from 5 submitters: Pathogenic (1). 4 of the submissions do not count toward it. Last evaluated 2017-03-17.

Conditions:
CFTR-related disorder (CFTR-RD). Also called: CFTR-related condition; CFTR-related disorders. Identifiers: MedGen C5924204, MONDO:7770004.
Cystic fibrosis (CF). Also called: MUCOVISCIDOSIS. Identifiers: Orphanet 586, MedGen C0010674, MONDO:0009061, OMIM 219700. Disease mechanism: loss of function.

Allele frequency attached by ClinVar (database versions not stated): gnomAD exomes below 0.00001.

Submissions (5):

CFTR2
Classification: Pathogenic for Cystic fibrosis. Last evaluated: 2017-03-17. Review status: reviewed by expert panel. Criteria: Sosnay PR et al. (Nat Genet 2013). Collection method: research. Allele origin: germline. Affected: yes. Study: CFTR2.

Natera, Inc.
Classification: Pathogenic for CFTR-related disorders. Last evaluated: 2025-08-05. Review status: criteria provided, single submitter. Criteria: Natera Variant Classification Schema (03/2026). Collection method: clinical testing. Allele origin: germline. Not counted in ClinVar's aggregate classification.
Comment: The c.3883delA variant in CFTR is a frameshift variant predicted to shift the reading frame beginning at codon 1295 and leads to a stop codon 33 codons downstream. This variant is expected to result in nonsense mediated decay, truncation, or a dysfunctional protein product. This variant is rare in the general population with a frequency below the threshold expected for the associated phenotype(s). This variant has been observed in one or more individuals affected with the associated recessive disease, as either homozygous or compound heterozygous with a second variant (PMID: 30029855, 28546993). Given the available evidence, this variant is classified as Pathogenic.

Labcorp Genetics (formerly Invitae), Labcorp
Classification: Pathogenic for Cystic fibrosis. Last evaluated: 2021-07-13. Review status: criteria provided, single submitter. Criteria: Invitae Variant Classification Sherloc (09022015). Collection method: clinical testing. Allele origin: germline. Not counted in ClinVar's aggregate classification.
Comment: For these reasons, this variant has been classified as Pathogenic. ClinVar contains an entry for this variant (Variation ID: 53839). This premature translational stop signal has been observed in individual(s) with cystic fibrosis (PMID: 32429104). This variant is not present in population databases (ExAC no frequency). This sequence change creates a premature translational stop signal (p.Ile1295Phefs*33) in the CFTR gene. It is expected to result in an absent or disrupted protein product. Loss-of-function variants in CFTR are known to be pathogenic (PMID: 1695717, 7691345, 9725922).

CFTR-France
Classification: Pathogenic for cystic fibrosis. Last evaluated: 2018-01-29. Review status: criteria provided, single submitter. Criteria: Claustres M et al. (Hum Mutat 2017). Collection method: curation. Allele origin: germline. Affected: yes. Not counted in ClinVar's aggregate classification.

Ambry Genetics
Classification: Pathogenic for Cystic fibrosis. Last evaluated: 2015-02-11. Review status: criteria provided, single submitter. Criteria: Ambry Variant Classification Scheme 2023. Collection method: clinical testing. Allele origin: germline. Not counted in ClinVar's aggregate classification.
Comment: The c.3883delA pathogenic mutation, located in coding exon 24 of the CFTR gene, results from a deletion of one nucleotide at position 3883, causing a translational frameshift with a predicted alternate stop codon. This mutation has been observed in 3 patients in the CFTR2 database, two of these patients were reported to have a deltaF508 mutation in trans. Pancreatic insufficiency and pulmonary symptoms were observed in these patients (Sosnay PR et al. Nat Genet. 2013;45(10):1160-7, Supplementary Table and The Clinical and Functional Translation of CFTR (CFTR2); available at CFTR2. Accessed February 10, 2015). Since frameshifts are typically deleterious in nature, this alteration is interpreted as a disease-causing mutation (ACMG Recommendations for Standards for Interpretation and Reporting of Sequence Variations. Revision 2007. Genet Med. 2008;10:294). Based on the supporting evidence, c.3883delA is interpreted as a disease-causing mutation.

Literature cited by the submitters: PubMed 30029855 (cited by Natera, Inc.); PubMed 28546993 (cited by Natera, Inc.); PubMed 32429104 (cited by Labcorp Genetics (formerly Invitae), Labcorp); PubMed 1695717 (cited by Labcorp Genetics (formerly Invitae), Labcorp); PubMed 7691345 (cited by Labcorp Genetics (formerly Invitae), Labcorp); PubMed 9725922 (cited by Labcorp Genetics (formerly Invitae), Labcorp); PubMed 7520798 (cited by Ambry Genetics).